The following is an entry in ClinVar:

ClinVar aggregate classification (germline): Uncertain significance (1 of 4 stars; one submission).

Conditions:
Primary ciliary dyskinesia. Also called: Ciliary dyskinesia. Identifiers: Orphanet 244, MedGen C0008780, MONDO:0016575, HP:0012265.

Submission:

Labcorp Genetics (formerly Invitae), Labcorp
Classification: Uncertain significance for Primary ciliary dyskinesia. Last evaluated: 2021-08-27. Review status: criteria provided, single submitter. Criteria: Invitae Variant Classification Sherloc (09022015). Collection method: clinical testing. Allele origin: germline.
Comment: This sequence change replaces histidine with tyrosine at codon 3741 of the DNAH11 protein (p.His3741Tyr). The histidine residue is moderately conserved and there is a moderate physicochemical difference between histidine and tyrosine. This variant is not present in population databases (ExAC no frequency). This variant has not been reported in the literature in individuals affected with DNAH11-related conditions. Algorithms developed to predict the effect of missense changes on protein structure and function (SIFT, PolyPhen-2, Align-GVGD) all suggest that this variant is likely to be tolerated. In summary, the available evidence is currently insufficient to determine the role of this variant in disease. Therefore, it has been classified as a Variant of Uncertain Significance.

NM_001277115.2(DNAH11):c.11221C>T (p.His3741Tyr)

Gene: DNAH11 (dynein axonemal heavy chain 11; plus strand). Cytogenetic location: 7p15.3.
Variant type: single nucleotide variant.
Coding change: c.11221C>T on transcript NM_001277115.2 (MANE Select); coding-DNA position 11221, C replaced by T.
Protein change: p.His3741Tyr; replaces histidine 3741 with tyrosine.
Molecular consequence: missense variant.
Genome position (GRCh38, 1-based): chr7:21,861,871, C>T. VCF-style: chr7-21861871-C-T. GRCh37 (hg19) VCF-style: chr7-21901489-C-T.
Other names: short protein forms H3741Y.
Identifiers: ClinVar variation 969210 (VCV000969210.7), dbSNP rs1783075514, ClinGen allele CA366961103.